The following is an entry in ClinVar:

NM_025137.4(SPG11):c.6739_6742del (p.Glu2247fs)

Gene: SPG11 (SPG11 vesicle trafficking associated, spatacsin; minus strand). Cytogenetic location: 15q21.1.
Variant type: Deletion.
Coding change: c.6739_6742del on transcript NM_025137.4 (MANE Select); coding-DNA positions 6739 to 6742, 4 bases deleted (GAGT; older notation c.6739_6742delGAGT).
Protein change: p.Glu2247fs; shifts the reading frame from glutamic acid 2247.
Molecular consequence: frameshift variant.
Genome position (GRCh38, 1-based): chr15:44,567,436-44,567,439, ACTC deleted on the plus strand (GAGT on the coding strand, the reverse complement: SPG11 is on the minus strand); deleting any 4 consecutive bases within chr15:44,567,436-44,567,440 gives the same sequence; the c. name uses the placement nearest the transcript's 3' end. VCF-style (leftmost placement, unchanged base first): chr15-44567435-GACTC-G. GRCh37 (hg19) VCF-style: chr15-44859633-GACTC-G.
Other names: c.6400_6403del, p.Glu2134fs (NM_001160227.2); c.6739_6742del (NM_025137.3); short protein forms E2134fs, E2247fs.
Identifiers: ClinVar variation 41348 (VCV000041348.21), dbSNP rs312262782, ClinGen allele CA344380.

ClinVar aggregate classification (germline): Pathogenic. Review status: criteria provided, multiple submitters, no conflicts (2 of 4 stars). 8 submissions from 8 submitters: Pathogenic (7). 1 of the submissions does not count toward it. Last evaluated 2026-06-15.

Conditions:
SPG11-related disorder. Also called: SPG11-related condition.
Amyotrophic lateral sclerosis type 5 (ALS5). Also called: AMYOTROPHIC LATERAL SCLEROSIS 5, JUVENILE. Identifiers: Orphanet 300605, MedGen C1865864, MONDO:0011196, OMIM 602099.
Charcot-Marie-Tooth disease axonal type 2X. Also called: CHARCOT-MARIE-TOOTH DISEASE, AXONAL, AUTOSOMAL RECESSIVE, TYPE 2X; CHARCOT-MARIE-TOOTH NEUROPATHY, TYPE 2X. Identifiers: Orphanet 466775, MedGen C5569024, MONDO:0014726, OMIM 616668.
Hereditary spastic paraplegia 11. Also called: Nakamura Osame syndrome; Autosomal recessive hereditary spastic paraplegia, mental impairment, and thin corpus callosum; Spastic Paraplegia 11; Spastic paraplegia, mental retardation and thin corpus callosum; SPASTIC PARAPLEGIA, AUTOSOMAL RECESSIVE, COMPLICATED, WITH THIN CORPUS CALLOSUM; SPASTIC PARAPLEGIA, AUTOSOMAL RECESSIVE, WITH MENTAL IMPAIRMENT AND THIN CORPUS CALLOSUM. Identifiers: Orphanet 2822, MedGen C1858479, MONDO:0011445, OMIM 604360.
Inborn genetic diseases. Identifiers: MedGen C0950123, MeSH D030342.

Submissions (8):

PreventionGenetics, part of Exact Sciences
Classification: Pathogenic for SPG11-related condition. Last evaluated: 2026-06-15. Review status: criteria provided, single submitter. Criteria: ACMG Guidelines, 2015. Collection method: clinical testing. Allele origin: germline.
Comment: The SPG11 c.6739_6742delGAGT variant is predicted to result in a frameshift and premature protein termination (p.Glu2247Leufs*14). This variant has been reported with another frameshift variant and in the homozygous state in individuals with SPG11-related neurodegenerative disorders such as spastic paraplegia (Stevanin et al. 2008. PubMed ID: 18079167; Denora et al. 2016. PubMed ID: 27016404; de Bot et al. 2013. PubMed ID: 23443022; Yahia et al. 2024. PubMed ID: 37012327), Charcot-Marie-Tooth disease (Montecchiani et al. 2015. PubMed ID: 26556829) and amyotrophic lateral sclerosis (Table S4, Fiorini et al. 2023. DOI 10.1155/2023/8620557). This variant is reported in 0.0085% of alleles in individuals of European (non-Finnish) descent in gnomAD. Frameshift variants in SPG11 are expected to be pathogenic, and this variant has been consistently classified as pathogenic by other laboratories in the ClinVar database (ClinVar ID: 41348). Taken together, this variant is interpreted as pathogenic.

Labcorp Genetics (formerly Invitae), Labcorp
Classification: Pathogenic for Hereditary spastic paraplegia 11. Last evaluated: 2025-12-23. Review status: criteria provided, single submitter. Criteria: Invitae Variant Classification Sherloc (09022015). Collection method: clinical testing. Allele origin: germline.
Comment: This sequence change creates a premature translational stop signal (p.Glu2247Leufs*14) in the SPG11 gene. It is expected to result in an absent or disrupted protein product. Loss-of-function variants in SPG11 are known to be pathogenic (PMID: 19105190, 20110243, 22154821, 26556829). This variant is present in population databases (rs312262782, gnomAD 0.009%). This premature translational stop signal has been observed in individuals with hereditary spastic paraplegia (PMID: 18079167, 20301389, 20571989, 23443022, 26556829). ClinVar contains an entry for this variant (Variation ID: 41348). For these reasons, this variant has been classified as Pathogenic.

GeneDx
Classification: Pathogenic. Last evaluated: 2022-11-19. Review status: criteria provided, single submitter. Criteria: GeneDx Variant Classification Process June 2021. Collection method: clinical testing. Allele origin: germline. Affected: yes.
Comment: Frameshift variant predicted to result in protein truncation or nonsense mediated decay in a gene for which loss of function is a known mechanism of disease; Not observed at significant frequency in large population cohorts (gnomAD); This variant is associated with the following publications: (PMID: 20571989, 18079167, 26556829, 20390432, 31980526, 27016404, 35572931)

Ambry Genetics
Classification: Pathogenic for Inborn genetic diseases. Last evaluated: 2022-04-15. Review status: criteria provided, single submitter. Criteria: Ambry Variant Classification Scheme 2023. Collection method: clinical testing. Allele origin: germline.
Comment: The c.6739_6742delGAGT pathogenic mutation, located in coding exon 36 of the SPG11 gene, results from a deletion of 4 nucleotides at nucleotide positions 6739 to 6742, causing a translational frameshift with a predicted alternate stop codon (p.E2247Lfs*14). This alteration has been detected as compound heterozygous or homozygous in multiple unrelated individuals with SPG11-related neurologic disorders (Stevanin G et al. Brain, 2008 Mar;131:772-84; de Bot ST et al. Eur J Hum Genet, 2013 Nov;21:1312-5; Denora PS et al. Brain, 2016 06;139:1723-34; Montecchiani C et al. Brain, 2016 Jan;139:73-85). This variant is considered to be rare based on population cohorts in the Genome Aggregation Database (gnomAD). This alteration is expected to result in loss of function by premature protein truncation or nonsense-mediated mRNA decay. As such, this alteration is interpreted as a disease-causing mutation.

Fulgent Genetics
Classification: Pathogenic for Amyotrophic lateral sclerosis type 5; Hereditary spastic paraplegia 11; Charcot-Marie-Tooth disease axonal type 2X. Last evaluated: 2021-12-08. Review status: criteria provided, single submitter. Criteria: ACMG Guidelines, 2015. Collection method: clinical testing. Allele origin: unknown.

Department of Biochemistry, Faculty of Medicine, University of Khartoum
Classification: Pathogenic for Hereditary spastic paraplegia 11. Review status: criteria provided, single submitter. Criteria: ACMG Guidelines, 2015. Collection method: research. Allele origin: inherited. Affected: yes. Observed: 3 variant alleles.
Comment: Found in trans with another loss-of-function variant

Genome-Nilou Lab
Classification: Pathogenic for Hereditary spastic paraplegia 11. Review status: criteria provided, single submitter. Criteria: ACMG Guidelines, 2015. Collection method: clinical testing. Allele origin: germline.

GeneReviews
No classification provided. Condition: Hereditary spastic paraplegia 11. Review status: no classification provided. Collection method: literature only. Allele origin: unknown. Not counted in ClinVar's aggregate classification.

Literature cited by the submitters: PubMed 19105190 (cited by Labcorp Genetics (formerly Invitae), Labcorp); PubMed 20110243 (cited by Labcorp Genetics (formerly Invitae), Labcorp); PubMed 22154821 (cited by Labcorp Genetics (formerly Invitae), Labcorp); PubMed 26556829 (cited by Labcorp Genetics (formerly Invitae), Labcorp and Ambry Genetics); PubMed 18079167 (cited by 3 submitters); PubMed 20301389 (cited by Labcorp Genetics (formerly Invitae), Labcorp and GeneReviews); PubMed 20571989 (cited by Labcorp Genetics (formerly Invitae), Labcorp); PubMed 23443022 (cited by Labcorp Genetics (formerly Invitae), Labcorp and Ambry Genetics); PubMed 27016404 (cited by Ambry Genetics); NCBI Bookshelf NBK1210 (cited by GeneReviews).